The following is an entry in ClinVar:

NM_198578.4(LRRK2):c.4971G>T (p.Gln1657His)

Gene: LRRK2 (leucine rich repeat kinase 2; plus strand). Cytogenetic location: 12q12.
Variant type: single nucleotide variant.
Coding change: c.4971G>T on transcript NM_198578.4 (MANE Select); coding-DNA position 4971, G replaced by T.
Protein change: p.Gln1657His; replaces glutamine 1657 with histidine.
Molecular consequence: missense variant.
Genome position (GRCh38, 1-based): chr12:40,320,131, G>T. VCF-style: chr12-40320131-G-T. GRCh37 (hg19) VCF-style: chr12-40713933-G-T.
Other names: short protein forms Q1657H.
Identifiers: ClinVar variation 3229676 (VCV003229676.1), dbSNP rs2499873887, ClinGen allele CA384419701.

ClinVar aggregate classification (germline): Uncertain significance (1 of 4 stars; one submission).

Conditions:
Inborn genetic diseases. Identifiers: MedGen C0950123, MeSH D030342.

Allele frequency attached by ClinVar (database versions not stated): gnomAD exomes below 0.00001.
gnomAD v4.1: 1 of 1,611,764 alleles (0.000062%); highest among the groups gnomAD compares: Non-Finnish European, 0.000085%; no homozygotes.

Submission:

Ambry Genetics
Classification: Uncertain significance for Inborn genetic diseases. Last evaluated: 2023-12-25. Review status: criteria provided, single submitter. Criteria: Ambry Variant Classification Scheme 2023. Collection method: clinical testing. Allele origin: germline.
Comment: The p.Q1657H variant (also known as c.4971G>T), located in coding exon 34 of the LRRK2 gene, results from a G to T substitution at nucleotide position 4971. The glutamine at codon 1657 is replaced by histidine, an amino acid with highly similar properties. This amino acid position is conserved. In addition, this alteration is predicted to be deleterious by in silico analysis. Since supporting evidence is limited at this time, the clinical significance of this alteration remains unclear.